The following is an entry in ClinVar:

ClinVar aggregate classification (germline): Conflicting classifications of pathogenicity. Review status: criteria provided, conflicting classifications (1 of 4 stars). 3 submissions from 3 submitters: Uncertain significance (2); Likely benign (1). Last evaluated 2025-04-02.

Conditions:
Inborn genetic diseases. Identifiers: MedGen C0950123, MeSH D030342.

Allele frequency attached by ClinVar (database versions not stated): ExAC 0.00002; gnomAD 0.00002; gnomAD exomes 0.00002 and 0.00003; TOPMed 0.00003.
gnomAD v4.1: 34 of 1,613,672 alleles (0.0021%); highest among the groups gnomAD compares: Admixed American, 0.01%; no homozygotes.

Submissions (3):

Labcorp Genetics (formerly Invitae), Labcorp
Classification: Likely benign. Last evaluated: 2025-04-02. Review status: criteria provided, single submitter. Criteria: Invitae Variant Classification Sherloc (09022015). Collection method: clinical testing. Allele origin: germline.

CeGaT Center for Human Genetics Tuebingen
Classification: Uncertain significance. Last evaluated: 2022-06-01. Review status: criteria provided, single submitter. Criteria: CeGaT Center For Human Genetics Tuebingen Variant Classification Criteria Version 2. Collection method: clinical testing. Allele origin: germline. Affected: yes. Observed: 1 variant allele.
Comment: SLC25A12: PM2, BP4

Ambry Genetics
Classification: Uncertain significance for Inborn genetic diseases. Last evaluated: 2021-07-28. Review status: criteria provided, single submitter. Criteria: Ambry Variant Classification Scheme 2023. Collection method: clinical testing. Allele origin: germline.
Comment: The c.1745-4T>C intronic alteration consists of a T to C substitution 4 nucleotides before exon 17 of the SLC25A12 gene. Based on insufficient or conflicting evidence, the clinical significance of this alteration remains unclear.

NM_003705.5(SLC25A12):c.1745-4T>C

Gene: SLC25A12 (solute carrier family 25 member 12; minus strand). Cytogenetic location: 2q31.1.
Variant type: single nucleotide variant.
Coding change: c.1745-4T>C on transcript NM_003705.5 (MANE Select); 4 bases into the intron before coding-DNA position 1745, T replaced by C.
Molecular consequence: intron variant.
Genome position (GRCh38, 1-based): chr2:171,787,665, A>G on the plus strand (T>C on the coding strand, the complement: SLC25A12 is on the minus strand). VCF-style: chr2-171787665-A-G. GRCh37 (hg19) VCF-style: chr2-172644175-A-G.
Other names: c.1745-4T>C (NM_003705.3).
Identifiers: ClinVar variation 1079529 (VCV001079529.40), dbSNP rs765417421, ClinGen allele CA1966034.